The following is an entry in ClinVar:

NM_000642.3(AGL):c.4352G>A (p.Trp1451Ter)

Gene: AGL (amylo-alpha-1,6-glucosidase and 4-alpha-glucanotransferase; plus strand). Cytogenetic location: 1p21.2.
Variant type: single nucleotide variant.
Coding change: c.4352G>A on transcript NM_000642.3 (MANE Select); coding-DNA position 4352, G replaced by A.
Protein change: p.Trp1451Ter; replaces tryptophan 1451 with a stop codon.
Molecular consequence: nonsense.
Genome position (GRCh38, 1-based): chr1:99,916,602, G>A. VCF-style: chr1-99916602-G-A. GRCh37 (hg19) VCF-style: chr1-100382158-G-A.
Other names: c.4352G>A, p.Trp1451Ter (NM_000028.3, NM_000643.3, NM_000644.3 and 1 more transcripts); c.4304G>A, p.Trp1435Ter (NM_000646.3); c.4331G>A, p.Trp1444Ter (NM_001425326.1); c.4151G>A, p.Trp1384Ter (NM_001425327.1); c.4148G>A, p.Trp1383Ter (NM_001425328.1); c.4013G>A, p.Trp1338Ter (NM_001425329.1); c.3974G>A, p.Trp1325Ter (NM_001425332.1); short protein forms W1435*, W1451*, W1325*, W1338*, W1383*, W1384*, W1444*.
Identifiers: ClinVar variation 1070714 (VCV001070714.5), dbSNP rs1557794036, ClinGen allele CA341342398.
Genomic context (GRCh38, chr1:99,916,602, plus strand): 5'-TCAAGTAATTTTTAGGTATTTATGGTTTTTTTTGTCTTTTAAATAATCTTTTTTAGGAGT[G>A]GCTGTGGCCTATTGGGTATTTTCTTCGTGCAAAATTATATTTTTCCAGATTGATGGGCCC-3'

ClinVar aggregate classification (germline): Pathogenic (1 of 4 stars; one submission).

Conditions:
Glycogen storage disease type III (GSD3). Also called: Cori disease; FORBES DISEASE. Identifiers: Orphanet 366, MedGen C0017922, MONDO:0009291, OMIM 232400.

Allele frequency attached by ClinVar (database versions not stated): gnomAD exomes below 0.00001.
gnomAD v4.1: 1 of 1,613,074 alleles (0.000062%); highest among the groups gnomAD compares: Non-Finnish European, 0.000085%; no homozygotes.

Submission:

Labcorp Genetics (formerly Invitae), Labcorp
Classification: Pathogenic for Glycogen storage disease type III. Last evaluated: 2020-10-23. Review status: criteria provided, single submitter. Criteria: Invitae Variant Classification Sherloc (09022015). Collection method: clinical testing. Allele origin: germline.
Comment: For these reasons, this variant has been classified as Pathogenic. This variant has not been reported in the literature in individuals with AGL-related conditions. This variant is not present in population databases (ExAC no frequency). This sequence change creates a premature translational stop signal (p.Trp1451*) in the AGL gene. It is expected to result in an absent or disrupted protein product. Loss-of-function variants in AGL are known to be pathogenic (PMID: 19299494).

Literature cited by the submitters: PubMed 19299494.